The following is an entry in ClinVar:

NM_024513.4(FYCO1):c.265C>T (p.Arg89Cys)

Gene: FYCO1 (FYVE and coiled-coil domain autophagy adaptor 1; minus strand). Cytogenetic location: 3p21.31.
Variant type: single nucleotide variant.
Coding change: c.265C>T on transcript NM_024513.4 (MANE Select); coding-DNA position 265, C replaced by T.
Protein change: p.Arg89Cys; replaces arginine 89 with cysteine.
Molecular consequence: missense variant.
Genome position (GRCh38, 1-based): chr3:45,979,728, G>A on the plus strand (C>T on the coding strand, the complement: FYCO1 is on the minus strand). VCF-style: chr3-45979728-G-A. GRCh37 (hg19) VCF-style: chr3-46021220-G-A.
Other names: c.265C>T (NM_024513.3); short protein forms R89C.
Identifiers: ClinVar variation 425295 (VCV000425295.44), dbSNP rs141476300, ClinGen allele CA2353544.
Genomic context (GRCh38, chr3:45,979,728, plus strand): 5'-GGACGACATGAAGTTGTTGGCTGCTTGCTCAGCTTACCTCTGAGATAGACTTGACAAAGC[G>A]GATCCCATCATTGGCTCCTTTCACCTTGGCCAGGCAGGCACAGAAGTAATCCCAGTAGTC-3'
Protein context (NP_078789.2, residues 79-99): AKVKGANDGI[Arg89Cys]FVKSISELRT

ClinVar aggregate classification (germline): Conflicting classifications of pathogenicity. Review status: criteria provided, conflicting classifications (1 of 4 stars). 3 submissions from 3 submitters: Likely pathogenic (2); Uncertain significance (1). Last evaluated 2025-04-30.

Conditions:
Cataract 18 (CATC2). Also called: CATARACT 18, AUTOSOMAL RECESSIVE. Identifiers: Orphanet 91492, Orphanet 98991, Orphanet 98992, Orphanet 98995, MedGen C1864908, MONDO:0012395, OMIM 610019.
FYCO1-related disorder. Also called: FYCO1-related condition.

Allele frequency attached by ClinVar (database versions not stated): ESP Exome Variant Server 0.00031; TOPMed 0.00036; 1000 Genomes Project 0.00040; gnomAD exomes 0.00012 and 0.00015; ExAC 0.00015; gnomAD 0.00028 and 0.00030; 1000 Genomes Project 30x 0.00031.
gnomAD v4.1: 253 of 1,613,972 alleles (0.016%); highest among the groups gnomAD compares: African/African-American, 0.069%; 1 homozygote.

Submissions (3):

First Genomix Gene Laboratory, Genetic Diagnostics Department
Classification: Likely pathogenic for Cataract 18. Last evaluated: 2025-04-30. Review status: criteria provided, single submitter. Criteria: ACMG Guidelines, 2015. Collection method: clinical testing. Allele origin: germline. Inheritance: Autosomal recessive inheritance. Affected: no. Observed: 1 variant allele.

PreventionGenetics, part of Exact Sciences
Classification: Uncertain significance for FYCO1-related condition. Last evaluated: 2023-09-21. Review status: criteria provided, single submitter. Criteria: ACMG Guidelines, 2015. Collection method: clinical testing. Allele origin: germline.
Comment: The FYCO1 c.265C>T variant is predicted to result in the amino acid substitution p.Arg89Cys. This variant was reported in the homozygous state in two siblings with with congenital cataracts (Family IrCC4 in Shirzadeh et al. 2022. PubMed ID: 36274208). This variant was also reported in the homozygous state in an individual with congenial cataracts from a childhood glaucoma cohort (Patient 17 in Stingl et al. 2021. PubMed ID: 35011756). This variant is reported in 0.092% of alleles in individuals of African descent in gnomAD. At this time, the clinical significance of this variant is uncertain due to the absence of conclusive functional and genetic evidence.

CeGaT Center for Human Genetics Tuebingen
Classification: Likely pathogenic. Last evaluated: 2021-01-01. Review status: criteria provided, single submitter. Criteria: CeGaT Center For Human Genetics Tuebingen Variant Classification Criteria Version 2. Collection method: clinical testing. Allele origin: germline. Affected: yes. Observed: 3 variant alleles.